The following is an entry in ClinVar:

ClinVar aggregate classification (germline): Uncertain significance (1 of 4 stars; one submission).

Conditions:
Dystonic disorder. Also called: Dystonia. Identifiers: MedGen C0013421, MONDO:0003441, HP:0001332.

gnomAD v4.1: 6 of 1,599,504 alleles (0.00038%); highest among the groups gnomAD compares: Non-Finnish European, 0.00051%; no homozygotes.

Submission:

Labcorp Genetics (formerly Invitae), Labcorp
Classification: Uncertain significance for Dystonic disorder. Last evaluated: 2025-10-02. Review status: criteria provided, single submitter. Criteria: Invitae Variant Classification Sherloc (09022015). Collection method: clinical testing. Allele origin: germline.
Comment: This sequence change falls in intron 6 of the CIZ1 gene. It does not directly change the encoded amino acid sequence of the CIZ1 protein. It affects a nucleotide within the consensus splice site. This variant is not present in population databases (gnomAD no frequency). This variant has not been reported in the literature in individuals affected with CIZ1-related conditions. ClinVar contains an entry for this variant (Variation ID: 1451085). Variants that disrupt the consensus splice site are a relatively common cause of aberrant splicing (PMID: 17576681, 9536098). Algorithms developed to predict the effect of sequence changes on RNA splicing suggest that this variant is not likely to affect RNA splicing. In summary, the available evidence is currently insufficient to determine the role of this variant in disease. Therefore, it has been classified as a Variant of Uncertain Significance.

Literature cited by the submitters: PubMed 17576681; PubMed 9536098.

NM_001131016.2(CIZ1):c.682+5G>A

Gene: CIZ1 (CDKN1A interacting zinc finger protein 1; minus strand). Cytogenetic location: 9q34.11.
Variant type: single nucleotide variant.
Coding change: c.682+5G>A on transcript NM_001131016.2 (MANE Select); 5 bases into the intron after coding-DNA position 682, G replaced by A.
Molecular consequence: intron variant.
Genome position (GRCh38, 1-based): chr9:128,180,716, C>T on the plus strand (G>A on the coding strand, the complement: CIZ1 is on the minus strand). VCF-style: chr9-128180716-C-T. GRCh37 (hg19) VCF-style: chr9-130942995-C-T.
Other names: c.682+5G>A (NM_001131015.2, NM_012127.3); c.772+5G>A (NM_001257975.2); c.379+5G>A (NM_001257976.2); c.610+5G>A (NM_001131018.2); c.667+5G>A (NM_001131017.2).
Identifiers: ClinVar variation 1451085 (VCV001451085.7), dbSNP rs751820292, ClinGen allele CA860242554.